The following is an entry in ClinVar:

ClinVar aggregate classification (germline): Uncertain significance (1 of 4 stars; one submission).

Conditions:
Inborn genetic diseases. Identifiers: MedGen C0950123, MeSH D030342.

Submission:

Ambry Genetics
Classification: Uncertain significance for Inborn genetic diseases. Last evaluated: 2026-05-27. Review status: criteria provided, single submitter. Criteria: Ambry Variant Classification Scheme 2023. Collection method: clinical testing. Allele origin: germline.
Comment: The c.218T>C (p.V73A) alteration is located in exon 2 (coding exon 2) of the RNASEH2C gene. This alteration results from a T to C substitution at nucleotide position 218, causing the valine (V) at amino acid position 73 to be replaced by an alanine (A). Based on data from gnomAD, the C allele has an overall frequency of <0.001% (1/251044) total alleles studied. The highest observed frequency was 0.003% (1/34584) of Latino alleles. Based on insufficient or conflicting evidence, the clinical significance of this alteration remains unclear.

NM_032193.4(RNASEH2C):c.218T>C (p.Val73Ala)

Gene: RNASEH2C (ribonuclease H2 subunit C; minus strand). Cytogenetic location: 11q13.1.
Variant type: single nucleotide variant.
Coding change: c.218T>C on transcript NM_032193.4 (MANE Select); coding-DNA position 218, T replaced by C.
Protein change: p.Val73Ala; replaces valine 73 with alanine.
Molecular consequence: missense variant.
Genome position (GRCh38, 1-based): chr11:65,720,372, A>G on the plus strand (T>C on the coding strand, the complement: RNASEH2C is on the minus strand). VCF-style: chr11-65720372-A-G. GRCh37 (hg19) VCF-style: chr11-65487843-A-G.
Other names: short protein forms V73A.
Identifiers: ClinVar variation 4863362 (VCV004863362.1).